The following is an entry in ClinVar:

ClinVar aggregate classification (germline): Uncertain significance. Review status: criteria provided, multiple submitters, no conflicts (2 of 4 stars). 2 submissions from 2 submitters: Uncertain significance (2). Last evaluated 2024-08-21.

Conditions:
Inborn genetic diseases. Identifiers: MedGen C0950123, MeSH D030342.
Vici syndrome (VICIS). Identifiers: Orphanet 1493, MedGen C1855772, MONDO:0009452, OMIM 242840.

Allele frequency attached by ClinVar (database versions not stated): gnomAD exomes below 0.00001 and 0.00001; TOPMed below 0.00001.

Submissions (2):

Ambry Genetics
Classification: Uncertain significance for Inborn genetic diseases. Last evaluated: 2024-08-21. Review status: criteria provided, single submitter. Criteria: Ambry Variant Classification Scheme 2023. Collection method: clinical testing. Allele origin: germline.

Labcorp Genetics (formerly Invitae), Labcorp
Classification: Uncertain significance for Vici syndrome. Last evaluated: 2022-01-21. Review status: criteria provided, single submitter. Criteria: Invitae Variant Classification Sherloc (09022015). Collection method: clinical testing. Allele origin: germline.
Comment: This sequence change replaces methionine, which is neutral and non-polar, with isoleucine, which is neutral and non-polar, at codon 1809 of the EPG5 protein (p.Met1809Ile). This variant is present in population databases (no rsID available, gnomAD 0.0009%). This variant has not been reported in the literature in individuals affected with EPG5-related conditions. Algorithms developed to predict the effect of missense changes on protein structure and function are either unavailable or do not agree on the potential impact of this missense change (SIFT: "Tolerated"; PolyPhen-2: "Possibly Damaging"; Align-GVGD: "Class C0"). In summary, the available evidence is currently insufficient to determine the role of this variant in disease. Therefore, it has been classified as a Variant of Uncertain Significance.

NM_020964.3(EPG5):c.5427G>A (p.Met1809Ile)

Gene: EPG5 (ectopic P-granules 5 autophagy tethering factor; minus strand). Cytogenetic location: 18q12.3.
Variant type: single nucleotide variant.
Coding change: c.5427G>A on transcript NM_020964.3 (MANE Select); coding-DNA position 5427, G replaced by A.
Protein change: p.Met1809Ile; replaces methionine 1809 with isoleucine.
Molecular consequence: missense variant.
Genome position (GRCh38, 1-based): chr18:45,882,365, C>T on the plus strand (G>A on the coding strand, the complement: EPG5 is on the minus strand). VCF-style: chr18-45882365-C-T. GRCh37 (hg19) VCF-style: chr18-43462330-C-T.
Other names: c.5427G>A (NM_020964.2); short protein forms M1809I.
Identifiers: ClinVar variation 1485506 (VCV001485506.5), dbSNP rs1311100994, ClinGen allele CA402344766.
Genomic context (GRCh38, chr18:45,882,365, plus strand): 5'-CTGGTCAGGAAACTGGTAGAGAAGAAGATAAGTCCAGTGCTTACAGAAAAGATTAAATGG[C>T]ATCAAAATATCCTCATCTGGTTCAAGGCCCCAGGCAGTAAGTGCCAAGTGAATGGACTCC-3'
Protein context (NP_066015.2, residues 1799-1819): WGLEPDEDIL[Met1809Ile]PFNLFCKHWT